The following is an entry in ClinVar:

NM_152703.5(SAMD9L):c.2306A>G (p.Asn769Ser)

Gene: SAMD9L (sterile alpha motif domain containing 9 like; minus strand). Cytogenetic location: 7q21.2.
Variant type: single nucleotide variant.
Coding change: c.2306A>G on transcript NM_152703.5 (MANE Select); coding-DNA position 2306, A replaced by G.
Protein change: p.Asn769Ser; replaces asparagine 769 with serine.
Molecular consequence: missense variant.
Genome position (GRCh38, 1-based): chr7:93,133,666, T>C on the plus strand (A>G on the coding strand, the complement: SAMD9L is on the minus strand). VCF-style: chr7-93133666-T-C. GRCh37 (hg19) VCF-style: chr7-92762979-T-C.
Other names: c.2306A>G, p.Asn769Ser (NM_001303496.3, NM_001303497.3, NM_001303498.3 and 5 more transcripts); short protein forms N769S.
Identifiers: ClinVar variation 3949908 (VCV003949908.1).
Genomic context (GRCh38, chr7:93,133,666, plus strand): 5'-GCCCTATAGGTGACCAGATTGATCACTTGCTCTGCAATTTCTGCAAAATCAGTTGTCTTG[T>C]TTTTTAACACAGCACATCTGAAGTTTTTCTTTAAGTCCCAGAGAACATGCATAGCCAGTG-3'
Protein context (NP_689916.2, residues 759-779): KKNFRCAVLK[Asn769Ser]KTTDFAEIAE

ClinVar aggregate classification (germline): Uncertain significance (1 of 4 stars; one submission).

Conditions:
Inborn genetic diseases. Identifiers: MedGen C0950123, MeSH D030342.

gnomAD v4.1: 1 of 1,613,578 alleles (0.000062%); highest among the groups gnomAD compares: Non-Finnish European, 0.000085%; no homozygotes.

Submission:

Ambry Genetics
Classification: Uncertain significance for Inborn genetic diseases. Last evaluated: 2025-05-09. Review status: criteria provided, single submitter. Criteria: Ambry Variant Classification Scheme 2023. Collection method: clinical testing. Allele origin: germline.
Comment: The p.N769S variant (also known as c.2306A>G), located in coding exon 1 of the SAMD9L gene, results from an A to G substitution at nucleotide position 2306. The asparagine at codon 769 is replaced by serine, an amino acid with highly similar properties. This amino acid position is conserved. In addition, this alteration is predicted to be tolerated by in silico analysis. Based on the available evidence, the clinical significance of this variant remains unclear.